The following is an entry in ClinVar:

ClinVar aggregate classification (germline): Likely benign. Review status: criteria provided, multiple submitters, no conflicts (2 of 4 stars). 2 submissions from 2 submitters: Likely benign (2). Last evaluated 2025-12-31.

Allele frequency attached by ClinVar (database versions not stated): ESP Exome Variant Server 0.00008; TOPMed 0.00017; gnomAD exomes 0.00020 and 0.00025; gnomAD 0.00021 and 0.00022; ExAC 0.00032.

Submissions (2):

Labcorp Genetics (formerly Invitae), Labcorp
Classification: Likely benign. Last evaluated: 2025-12-31. Review status: criteria provided, single submitter. Criteria: Invitae Variant Classification Sherloc (09022015). Collection method: clinical testing. Allele origin: germline.

CeGaT Center for Human Genetics Tuebingen
Classification: Likely benign. Last evaluated: 2025-10-01. Review status: criteria provided, single submitter. Criteria: CeGaT Center For Human Genetics Tuebingen Variant Classification Criteria Version 2. Collection method: clinical testing. Allele origin: germline. Affected: yes. Observed: 1 variant allele.
Comment: APOA4: BP4, BP7

NM_000482.4(APOA4):c.33C>T (p.Ala11=)

Gene: APOA4 (apolipoprotein A4; minus strand). Cytogenetic location: 11q23.3.
Variant type: single nucleotide variant.
Coding change: c.33C>T on transcript NM_000482.4 (MANE Select); coding-DNA position 33, C replaced by T.
Protein change: p.Ala11=; no amino-acid change (alanine 11 retained).
Molecular consequence: synonymous variant.
Genome position (GRCh38, 1-based): chr11:116,823,159, G>A on the plus strand (C>T on the coding strand, the complement: APOA4 is on the minus strand). VCF-style: chr11-116823159-G-A. GRCh37 (hg19) VCF-style: chr11-116693875-G-A.
Identifiers: ClinVar variation 1537835 (VCV001537835.14), dbSNP rs373998422, ClinGen allele CA6289565.